The following is an entry in ClinVar:

ClinVar aggregate classification (germline): Uncertain significance. Review status: criteria provided, multiple submitters, no conflicts (2 of 4 stars). 2 submissions from 2 submitters: Uncertain significance (2). Last evaluated 2025-11-22.

Allele frequency attached by ClinVar (database versions not stated): gnomAD 0.00001; TOPMed 0.00002; ExAC 0.00009; gnomAD exomes 0.00010.
gnomAD v4.1: 144 of 1,561,758 alleles (0.0092%); highest among the groups gnomAD compares: Non-Finnish European, 0.012%; no homozygotes.

Submissions (2):

Labcorp Genetics (formerly Invitae), Labcorp
Classification: Uncertain significance. Last evaluated: 2025-11-22. Review status: criteria provided, single submitter. Criteria: Invitae Variant Classification Sherloc (09022015). Collection method: clinical testing. Allele origin: germline.
Comment: This sequence change replaces leucine, which is neutral and non-polar, with proline, which is neutral and non-polar, at codon 948 of the ZNF687 protein (p.Leu948Pro). This variant is present in population databases (rs775733044, gnomAD 0.006%). This variant has not been reported in the literature in individuals affected with ZNF687-related conditions. ClinVar contains an entry for this variant (Variation ID: 2173467). An algorithm developed to predict the effect of missense changes on protein structure and function outputs the following: PolyPhen-2: "Benign". The proline amino acid residue is found in multiple mammalian species, which suggests that this missense change does not adversely affect protein function. In summary, the available evidence is currently insufficient to determine the role of this variant in disease. Therefore, it has been classified as a Variant of Uncertain Significance.

Ambry Genetics
Classification: Uncertain significance. Last evaluated: 2025-08-12. Review status: criteria provided, single submitter. Criteria: Ambry Variant Classification Scheme 2023. Collection method: clinical testing. Allele origin: germline.

NM_020832.3(ZNF687):c.2843T>C (p.Leu948Pro)

Gene: ZNF687 (zinc finger protein 687; plus strand). Cytogenetic location: 1q21.3.
Variant type: single nucleotide variant.
Coding change: c.2843T>C on transcript NM_020832.3 (MANE Select); coding-DNA position 2843, T replaced by C.
Protein change: p.Leu948Pro; replaces leucine 948 with proline.
Molecular consequence: missense variant.
Genome position (GRCh38, 1-based): chr1:151,289,886, T>C. VCF-style: chr1-151289886-T-C. GRCh37 (hg19) VCF-style: chr1-151262362-T-C.
Other names: c.2843T>C, p.Leu948Pro (NM_001304763.2, NM_001304764.2); c.2843T>C (NM_020832.1); short protein forms L948P.
Identifiers: ClinVar variation 2173467 (VCV002173467.6), dbSNP rs775733044, ClinGen allele CA1088658.